The following is an entry in ClinVar:

ClinVar aggregate classification (germline): Pathogenic (1 of 4 stars; one submission).

Conditions:
X-linked Alport syndrome (ATS1). Also called: COL4A5-Related Nephropathy; NEPHROPATHY AND DEAFNESS, X-LINKED. Identifiers: Orphanet 63, Orphanet 88917, MedGen C4746986, MONDO:0010520, OMIM 301050.

Submission:

Foundation for Research in Genetics and Endocrinology, FRIGE's Institute of Human Genetics
Classification: Pathogenic for X-linked Alport syndrome. Last evaluated: 2020-03-11. Review status: criteria provided, single submitter. Criteria: ACMG Guidelines, 2015. Collection method: clinical testing. Allele origin: germline. Inheritance: X-linked dominant inheritance. Affected: yes. Observed: 1 heterozygote.
Comment: A heterozygous splice site variation in intron 33 of the COL4A5 gene was detected. The observed variant c.c.2918-1G>A has not been reported in the 1000 genomes and ExAC databases. It is reported in patient affected with Alport syndrome by Moriniere et al. 2014. The in silico prediction of the variant is damaging by MutationTaster2. In summary, the variant meets our criteria to be classified as pathogenic.

NM_033380.3(COL4A5):c.2918-1G>A

Gene: COL4A5 (collagen type IV alpha 5 chain; plus strand). Cytogenetic location: Xq22.3.
Variant type: single nucleotide variant.
Coding change: c.2918-1G>A on transcript NM_033380.3 (MANE Select); the canonical splice acceptor site of the intron before coding-DNA position 2918, G replaced by A.
Molecular consequence: splice acceptor variant.
Genome position (GRCh38, 1-based): chrX:108,624,235, G>A. VCF-style: chrX-108624235-G-A. GRCh37 (hg19) VCF-style: chrX-107867465-G-A.
Other names: c.2918-1G>A (NM_000495.5).
Identifiers: ClinVar variation 587182 (VCV000587182.6), dbSNP rs104886372, ClinGen allele CA413853156.